The following is an entry in ClinVar:

ClinVar aggregate classification (germline): Uncertain significance (1 of 4 stars; one submission).

Allele frequency attached by ClinVar (database versions not stated): TOPMed below 0.00001.
gnomAD v4.1: 1 of 1,611,300 alleles (0.000062%); highest among the groups gnomAD compares: Non-Finnish European, 0.000085%; no homozygotes.

Submission:

Labcorp Genetics (formerly Invitae), Labcorp
Classification: Uncertain significance. Last evaluated: 2022-05-29. Review status: criteria provided, single submitter. Criteria: Invitae Variant Classification Sherloc (09022015). Collection method: clinical testing. Allele origin: germline.
Comment: This sequence change replaces tyrosine, which is neutral and polar, with serine, which is neutral and polar, at codon 52 of the ERBIN protein (p.Tyr52Ser). This variant is not present in population databases (gnomAD no frequency). This variant has not been reported in the literature in individuals affected with ERBIN-related conditions. Algorithms developed to predict the effect of missense changes on protein structure and function are either unavailable or do not agree on the potential impact of this missense change (SIFT: "Deleterious"; PolyPhen-2: "Probably Damaging"; Align-GVGD: "Class C0"). In summary, the available evidence is currently insufficient to determine the role of this variant in disease. Therefore, it has been classified as a Variant of Uncertain Significance.

NM_001253697.2(ERBIN):c.155A>C (p.Tyr52Ser)

Gene: ERBIN (erbb2 interacting protein; plus strand). Cytogenetic location: 5q12.3.
Variant type: single nucleotide variant.
Coding change: c.155A>C on transcript NM_001253697.2 (MANE Select); coding-DNA position 155, A replaced by C.
Protein change: p.Tyr52Ser; replaces tyrosine 52 with serine.
Molecular consequence: missense variant.
Genome position (GRCh38, 1-based): chr5:65,992,873, A>C. VCF-style: chr5-65992873-A-C. GRCh37 (hg19) VCF-style: chr5-65288701-A-C.
Other names: c.155A>C, p.Tyr52Ser (NM_001006600.3, NM_001253698.2, NM_001253699.2 and 2 more transcripts); short protein forms Y52S.
Identifiers: ClinVar variation 2000719 (VCV002000719.4), dbSNP rs1217658362, ClinGen allele CA359972006.